The following is an entry in ClinVar:

ClinVar aggregate classification (germline): Uncertain significance (1 of 4 stars; one submission).

Conditions:
Hereditary sensory and autonomic neuropathy type 6. Also called: Neuropathy, hereditary sensory and autonomic, type VI; HSAN VI. Identifiers: Orphanet 314381, MedGen C3539003, MONDO:0013839, OMIM 614653.
Epidermolysis bullosa simplex 3, localized or generalized intermediate, with BP230 deficiency (EBS3). Also called: Epidermolysis bullosa simplex due to BP230 deficiency; Epidermolysis bullosa simplex, autosomal recessive 2. Identifiers: Orphanet 412181, MedGen C3809470, MONDO:0014180, OMIM 615425.

gnomAD v4.1: 1 of 1,614,178 alleles (0.000062%); highest among the groups gnomAD compares: Non-Finnish European, 0.000085%; no homozygotes.

Submission:

Labcorp Genetics (formerly Invitae), Labcorp
Classification: Uncertain significance for Epidermolysis bullosa simplex 3, localized or generalized intermediate, with BP230 deficiency; Hereditary sensory and autonomic neuropathy type 6. Last evaluated: 2022-10-17. Review status: criteria provided, single submitter. Criteria: Invitae Variant Classification Sherloc (09022015). Collection method: clinical testing. Allele origin: germline.
Comment: This sequence change replaces alanine, which is neutral and non-polar, with proline, which is neutral and non-polar, at codon 2215 of the DST protein (p.Ala2215Pro). In summary, the available evidence is currently insufficient to determine the role of this variant in disease. Therefore, it has been classified as a Variant of Uncertain Significance. Algorithms developed to predict the effect of missense changes on protein structure and function are either unavailable or do not agree on the potential impact of this missense change (SIFT: "Deleterious"; PolyPhen-2: "Benign"; Align-GVGD: "Class C25"). This variant has not been reported in the literature in individuals affected with DST-related conditions. This variant is not present in population databases (gnomAD no frequency).

NM_001723.7(DST):c.6643G>C (p.Ala2215Pro)

Gene: DST (dystonin; minus strand). Cytogenetic location: 6p12.1.
Variant type: single nucleotide variant.
Coding change: c.6643G>C on transcript NM_001723.7 (MANE Plus Clinical); coding-DNA position 6643, G replaced by C.
Protein change: p.Ala2215Pro; replaces alanine 2215 with proline.
Molecular consequence: missense variant. On other transcripts: intron variant (10).
Genome position (GRCh38, 1-based): chr6:56,616,824, C>G on the plus strand (G>C on the coding strand, the complement: DST is on the minus strand). VCF-style: chr6-56616824-C-G. GRCh37 (hg19) VCF-style: chr6-56481622-C-G.
Other names: c.4831-2340G>C (NM_001144769.5); c.4930-2340G>C (NM_001374722.1, NM_001374736.1); c.4957-2340G>C (NM_001374734.1); c.4417-2340G>C (NM_001144770.2); c.4297-2340G>C (NM_001374730.1, NM_001386100.1, NM_183380.4 and 1 more transcripts); c.3319-2340G>C (NM_015548.5); short protein forms A2215P.
Identifiers: ClinVar variation 1967575 (VCV001967575.3), dbSNP rs2536629448, ClinGen allele CA364564708.